The following is an entry in ClinVar:

ClinVar aggregate classification (germline): Conflicting classifications of pathogenicity. Review status: criteria provided, conflicting classifications (1 of 4 stars). 4 submissions from 4 submitters: Uncertain significance (1); Likely benign (2). 1 of the submissions does not count toward it. Last evaluated 2025-11-25.

Conditions:
MAN1B1-related disorder. Also called: MAN1B1-related condition; MAN1B1-related disorders.
Inborn genetic diseases. Identifiers: MedGen C0950123, MeSH D030342.
Rafiq syndrome (RAFQS). Identifiers: Orphanet 88616, MedGen C3280127, MONDO:0013624, OMIM 614202.

Allele frequency attached by ClinVar (database versions not stated): gnomAD 0.00001; TOPMed 0.00002; ExAC 0.00005; gnomAD exomes 0.00006; ESP Exome Variant Server 0.00008.

Submissions (4):

Labcorp Genetics (formerly Invitae), Labcorp
Classification: Likely benign for Rafiq syndrome. Last evaluated: 2025-11-25. Review status: criteria provided, single submitter. Criteria: Invitae Variant Classification Sherloc (09022015). Collection method: clinical testing. Allele origin: germline.

Ambry Genetics
Classification: Likely benign for Inborn genetic diseases. Last evaluated: 2025-02-28. Review status: criteria provided, single submitter. Criteria: Ambry Variant Classification Scheme 2023. Collection method: clinical testing. Allele origin: germline.

Genetic Services Laboratory, University of Chicago
Classification: Uncertain significance. Last evaluated: 2016-06-29. Review status: criteria provided, single submitter. Criteria: ACMG Guidelines, 2015. Collection method: clinical testing. Allele origin: germline. Affected: no.

PreventionGenetics, part of Exact Sciences
Classification: Likely benign for MAN1B1-related condition. Last evaluated: 2019-09-19. Review status: no assertion criteria provided. Collection method: clinical testing. Allele origin: germline. Not counted in ClinVar's aggregate classification.
Comment: This variant is classified as likely benign based on ACMG/AMP sequence variant interpretation guidelines (Richards et al. 2015 PMID: 25741868, with internal and published modifications).

NM_016219.5(MAN1B1):c.639C>T (p.Ile213=)

Gene: MAN1B1 (mannosidase alpha class 1B member 1; plus strand). Cytogenetic location: 9q34.3.
Variant type: single nucleotide variant.
Coding change: c.639C>T on transcript NM_016219.5 (MANE Select); coding-DNA position 639, C replaced by T.
Protein change: p.Ile213=; no amino-acid change (isoleucine 213 retained).
Molecular consequence: synonymous variant. On other transcripts: non-coding transcript variant (2).
Genome position (GRCh38, 1-based): chr9:137,097,846, C>T. VCF-style: chr9-137097846-C-T. GRCh37 (hg19) VCF-style: chr9-139992298-C-T.
Other names: c.639C>T (NM_016219.3).
Identifiers: ClinVar variation 435803 (VCV000435803.10), dbSNP rs368545529, ClinGen allele CA5358722.